The following is an entry in ClinVar:

NM_182931.3(KMT2E):c.1775A>T (p.Glu592Val)

Gene: KMT2E (lysine methyltransferase 2E (inactive); plus strand). Cytogenetic location: 7q22.3.
Variant type: single nucleotide variant.
Coding change: c.1775A>T on transcript NM_182931.3 (MANE Select); coding-DNA position 1775, A replaced by T.
Protein change: p.Glu592Val; replaces glutamic acid 592 with valine.
Molecular consequence: missense variant.
Genome position (GRCh38, 1-based): chr7:105,101,477, A>T. VCF-style: chr7-105101477-A-T. GRCh37 (hg19) VCF-style: chr7-104741924-A-T.
Other names: c.1775A>T, p.Glu592Val (NM_001410908.1, NM_018682.4); short protein forms E592V.
Identifiers: ClinVar variation 2119950 (VCV002119950.4), dbSNP rs2536490748, ClinGen allele CA368784252.

ClinVar aggregate classification (germline): Uncertain significance (1 of 4 stars; one submission).

Submission:

Labcorp Genetics (formerly Invitae), Labcorp
Classification: Uncertain significance. Last evaluated: 2022-03-31. Review status: criteria provided, single submitter. Criteria: Invitae Variant Classification Sherloc (09022015). Collection method: clinical testing. Allele origin: germline.
Comment: In summary, the available evidence is currently insufficient to determine the role of this variant in disease. Therefore, it has been classified as a Variant of Uncertain Significance. Algorithms developed to predict the effect of missense changes on protein structure and function are either unavailable or do not agree on the potential impact of this missense change (SIFT: "Deleterious"; PolyPhen-2: "Benign"; Align-GVGD: "Class C0"). This variant has not been reported in the literature in individuals affected with KMT2E-related conditions. This variant is not present in population databases (gnomAD no frequency). This sequence change replaces glutamic acid, which is acidic and polar, with valine, which is neutral and non-polar, at codon 592 of the KMT2E protein (p.Glu592Val).